The following is an entry in ClinVar:

NM_001035.3(RYR2):c.5474T>C (p.Phe1825Ser)

Gene: RYR2 (ryanodine receptor 2; plus strand). Cytogenetic location: 1q43.
Variant type: single nucleotide variant.
Coding change: c.5474T>C on transcript NM_001035.3 (MANE Select); coding-DNA position 5474, T replaced by C.
Protein change: p.Phe1825Ser; replaces phenylalanine 1825 with serine.
Molecular consequence: missense variant.
Genome position (GRCh38, 1-based): chr1:237,614,602, T>C. VCF-style: chr1-237614602-T-C. GRCh37 (hg19) VCF-style: chr1-237777902-T-C.
Other names: short protein forms F1825S.
Identifiers: ClinVar variation 3710795 (VCV003710795.2).

ClinVar aggregate classification (germline): Uncertain significance (1 of 4 stars; one submission).

Conditions:
Catecholaminergic polymorphic ventricular tachycardia 1. Also called: VENTRICULAR TACHYCARDIA, STRESS-INDUCED POLYMORPHIC 1; VENTRICULAR TACHYCARDIA, CATECHOLAMINERGIC POLYMORPHIC, 1, WITH OR WITHOUT ATRIAL DYSFUNCTION AND/OR DILATED CARDIOMYOPATHY; RYR2-Related Catecholaminergic Polymorphic Ventricular Tachycardia. Identifiers: Orphanet 3286, MedGen C1631597, MONDO:0011484, OMIM 604772.

gnomAD v4.1: 5 of 1,614,038 alleles (0.00031%); highest among the groups gnomAD compares: South Asian, 0.0033%; no homozygotes.

Submission:

Labcorp Genetics (formerly Invitae), Labcorp
Classification: Uncertain significance for Catecholaminergic polymorphic ventricular tachycardia 1. Last evaluated: 2024-04-09. Review status: criteria provided, single submitter. Criteria: Invitae Variant Classification Sherloc (09022015). Collection method: clinical testing. Allele origin: germline.
Comment: This sequence change replaces phenylalanine, which is neutral and non-polar, with serine, which is neutral and polar, at codon 1825 of the RYR2 protein (p.Phe1825Ser). This variant is present in population databases (rs751232206, gnomAD 0.006%). This variant has not been reported in the literature in individuals affected with RYR2-related conditions. Advanced modeling of protein sequence and biophysical properties (such as structural, functional, and spatial information, amino acid conservation, physicochemical variation, residue mobility, and thermodynamic stability) performed at Invitae indicates that this missense variant is not expected to disrupt RYR2 protein function with a negative predictive value of 95%. In summary, the available evidence is currently insufficient to determine the role of this variant in disease. Therefore, it has been classified as a Variant of Uncertain Significance.